The following is an entry in ClinVar:

NM_000018.4(ACADVL):c.1542_1543insA (p.Leu515fs)

Gene: ACADVL (acyl-CoA dehydrogenase very long chain; plus strand). Cytogenetic location: 17p13.1.
Variant type: Insertion.
Coding change: c.1542_1543insA on transcript NM_000018.4 (MANE Select); coding-DNA positions 1542 to 1543, A inserted.
Protein change: p.Leu515fs; shifts the reading frame from leucine 515.
Molecular consequence: frameshift variant.
Genome position: GRCh38 VCF-style: chr17-7224330-G-GA. GRCh37 (hg19) VCF-style: chr17-7127649-G-GA.
Other names: c.1476_1477insA, p.Leu493fs (NM_001033859.3); c.1611_1612insA, p.Leu538fs (NM_001270447.2); c.1314_1315insA, p.Leu439fs (NM_001270448.2); short protein forms L439fs, L493fs, L515fs, L538fs.
Identifiers: ClinVar variation 1725326 (VCV001725326.2), dbSNP rs2508357253, ClinGen allele CA2580094830.
Genomic context (GRCh38, chr17:7,224,330, plus strand): 5'-GGGCAGGGTGGTGTATGGCAACTAACCAGTCATTCTCCCTCTTCCTCTCAGGCGGGCAGG[G>GA]CTGGGCAGCGGCCTGAGTCTCAGCGGACTTGTCCACCCGGAGTTGAGTCGGAGTGGCGAG-3'

ClinVar aggregate classification (germline): Likely pathogenic (1 of 4 stars; one submission).

Conditions:
Very long chain acyl-CoA dehydrogenase deficiency (ACADVLD). Also called: Very Long-Chain Acyl-Coenzyme A Dehydrogenase Deficiency; VLCAD Deficiency. Identifiers: Orphanet 26793, MedGen C3887523, MONDO:0008723, OMIM 201475.

Submission:

Myriad Genetics, Inc.
Classification: Likely pathogenic for Very long chain acyl-CoA dehydrogenase deficiency. Last evaluated: 2022-03-16. Review status: criteria provided, single submitter. Criteria: Myriad Women's Health Autosomal Recessive and X-Linked Classification Criteria (2021). Collection method: clinical testing. Allele origin: unknown.
Comment: NM_000018.3(ACADVL):c.1542_1543insA(L515Tfs*47) is expected to be pathogenic in the context of very-long-chain acyl-CoA dehydrogenase deficiency. This variant is predicted to lead to an abnormal or absent protein product due to the creation of a premature termination codon in ACADVL, a gene where loss-of-function variants are known to be pathogenic. Please note: this variant was assessed in the context of healthy population screening.